The following is an entry in ClinVar:

ClinVar aggregate classification (germline): Uncertain significance (1 of 4 stars; one submission).

Conditions:
Congenital contractural arachnodactyly (CCA). Also called: BEALS SYNDROME; Beals-Hecht syndrome; Arthrogryposis, distal, type 9. Identifiers: Orphanet 115, MedGen C0220668, MONDO:0007363, OMIM 121050.

Submission:

Labcorp Genetics (formerly Invitae), Labcorp
Classification: Uncertain significance for Congenital contractural arachnodactyly. Last evaluated: 2020-03-18. Review status: criteria provided, single submitter. Criteria: Invitae Variant Classification Sherloc (09022015). Collection method: clinical testing. Allele origin: germline.
Comment: Nucleotide substitutions within the consensus splice site are a relatively common cause of aberrant splicing (PMID: 17576681, 9536098). Algorithms developed to predict the effect of sequence changes on RNA splicing suggest that this variant is not likely to affect RNA splicing, but this prediction has not been confirmed by published transcriptional studies. This variant has not been reported in the literature in individuals with FBN2-related conditions. This variant is not present in population databases (ExAC no frequency). This sequence change falls in intron 11 of the FBN2 gene. It does not directly change the encoded amino acid sequence of the FBN2 protein, but it affects a nucleotide within the consensus splice site of the intron. In summary, the available evidence is currently insufficient to determine the role of this variant in disease. Therefore, it has been classified as a Variant of Uncertain Significance.

Literature cited by the submitters: PubMed 17576681; PubMed 9536098.

NM_001999.4(FBN2):c.1603+6T>C

Gene: FBN2 (fibrillin 2; minus strand). Cytogenetic location: 5q23.3.
Variant type: single nucleotide variant.
Coding change: c.1603+6T>C on transcript NM_001999.4 (MANE Select); 6 bases into the intron after coding-DNA position 1603, T replaced by C.
Molecular consequence: intron variant.
Genome position (GRCh38, 1-based): chr5:128,392,012, A>G on the plus strand (T>C on the coding strand, the complement: FBN2 is on the minus strand). VCF-style: chr5-128392012-A-G. GRCh37 (hg19) VCF-style: chr5-127727705-A-G.
Identifiers: ClinVar variation 1035874 (VCV001035874.9), dbSNP rs1752527763, ClinGen allele CA1581292471.